The following is an entry in ClinVar:

NC_012920.1(MT-TG):m.10008A>G

Gene: MT-TG (mitochondrially encoded tRNA glycine; plus strand).
Variant type: single nucleotide variant.
Genome position: chrM-10008-A-G.
Identifiers: ClinVar variation 690096 (VCV000690096.1), dbSNP rs1603222626, ClinGen allele CA913161507.

ClinVar aggregate classification (germline): Uncertain significance (1 of 4 stars; one submission).

Conditions:
MELAS syndrome (MELAS). Also called: Juvenile myopathy, encephalopathy, lactic acidosis, stroke. Identifiers: Orphanet 550, MedGen C0162671, MONDO:0010789, OMIM 540000.

Submission:

Wong Mito Lab, Molecular and Human Genetics, Baylor College of Medicine
Classification: Uncertain significance for MELAS syndrome. Last evaluated: 2019-07-12. Review status: criteria provided, single submitter. Criteria: Modified ACMG Guidelines (Unpublished). Collection method: clinical testing. Allele origin: germline.
Comment: The NC_012920.1:m.10008A>G variant in MT-TG gene is interpreted to be a Unknown Significance variant based on the modified ACMG guidelines (unpublished). This variant meets the following evidence codes reported in the guidelines: BP4, PP7

Literature cited by the submitters: PubMed 31965079.